The following is an entry in ClinVar:

ClinVar aggregate classification (germline): Benign. Review status: criteria provided, multiple submitters, no conflicts (2 of 4 stars). 8 submissions from 7 submitters: Benign (7). 1 of the submissions does not count toward it. Last evaluated 2026-02-04.

Conditions:
Achromatopsia. Also called: Rod monochromatism. Identifiers: Orphanet 49382, MedGen C0152200, MONDO:0018852, HP:0011516.
Severe early-childhood-onset retinal dystrophy (STGD1). Also called: Stargardt macular dystrophy; Juvenile onset macular degeneration; Stargardt disease 1; MACULAR DYSTROPHY WITH FLECKS, TYPE 1; STGD. Identifiers: Orphanet 364055, Orphanet 827, MedGen C1855465, MeSH D000080362, MONDO:0009549, OMIM 248200.
Achromatopsia 3 (ACHM3). Also called: PINGELAPESE BLINDNESS; TOTAL COLORBLINDNESS WITH MYOPIA; ROD MONOCHROMACY 1; ROD MONOCHROMATISM 1; ACHROMATOPSIA WITH MYOPIA. Identifiers: Orphanet 49382, MedGen C1849792, MONDO:0009875, OMIM 262300.

Allele frequency attached by ClinVar (database versions not stated): 1000 Genomes Project 30x 0.08182; 1000 Genomes Project 0.08227; TOPMed 0.07898; gnomAD 0.08211 and 0.08236; ExAC 0.08734; gnomAD exomes 0.08920 and 0.08696; ESP Exome Variant Server 0.07843.
gnomAD v4.1: 142,679 of 1,610,886 alleles (8.9%); highest among the groups gnomAD compares: East Asian, 11%; 6,655 homozygotes.

Submissions (8):

Labcorp Genetics (formerly Invitae), Labcorp
Classification: Benign. Last evaluated: 2026-02-04. Review status: criteria provided, single submitter. Criteria: Invitae Variant Classification Sherloc (09022015). Collection method: clinical testing. Allele origin: germline.

Illumina Laboratory Services, Illumina
Classification: Benign for Achromatopsia 3. Last evaluated: 2018-01-12. Review status: criteria provided, single submitter. Criteria: ICSL Variant Classification Criteria 13 December 2019. Collection method: clinical testing. Allele origin: germline.
Comment: This variant was observed in the ICSL laboratory as part of a predisposition screen in an ostensibly healthy population. It had not been previously curated by ICSL or reported in the Human Gene Mutation Database (HGMD: prior to June 1st, 2018), and was therefore a candidate for classification through an automated scoring system. Utilizing variant allele frequency, disease prevalence and penetrance estimates, and inheritance mode, an automated score was calculated to assess if this variant is too frequent to cause the disease. Based on the score and internal cut-off values, a variant classified as benign is not then subjected to further curation. The score for this variant resulted in a classification of benign for this disease.

Illumina Laboratory Services, Illumina
Classification: Benign for Severe early-childhood-onset retinal dystrophy. Last evaluated: 2018-01-12. Review status: criteria provided, single submitter. Criteria: ICSL Variant Classification Criteria 13 December 2019. Collection method: clinical testing. Allele origin: germline.
Comment: the same text as in the submission from Illumina Laboratory Services, Illumina above.

GeneDx
Classification: Benign. Last evaluated: 2016-07-19. Review status: criteria provided, single submitter. Criteria: GeneDx Variant Classification (06012015). Collection method: clinical testing. Allele origin: germline. Affected: yes.
Comment: This variant is considered likely benign or benign based on one or more of the following criteria: it is a conservative change, it occurs at a poorly conserved position in the protein, it is predicted to be benign by multiple in silico algorithms, and/or has population frequency not consistent with disease.

Eurofins Ntd Llc (ga)
Classification: Benign. Last evaluated: 2014-04-25. Review status: criteria provided, single submitter. Criteria: EGL Classification Definitions 2015. Collection method: clinical testing. Allele origin: germline. Observed: 5 variant alleles, 5 heterozygotes.

Breakthrough Genomics
Classification: Benign. Review status: criteria provided, single submitter. Criteria: ACMG Guidelines, 2015. Collection method: not provided. Allele origin: germline. Inheritance: Autosomal recessive inheritance. Affected: yes.

PreventionGenetics, part of Exact Sciences
Classification: Benign. Review status: criteria provided, single submitter. Criteria: ACMG Guidelines, 2015. Collection method: clinical testing. Allele origin: germline.

Natera, Inc.
Classification: Benign for Achromatopsia. Last evaluated: 2020-09-16. Review status: no assertion criteria provided. Collection method: clinical testing. Allele origin: germline. Not counted in ClinVar's aggregate classification.

NM_019098.5(CNGB3):c.2214A>G (p.Glu738=)

Gene: CNGB3 (cyclic nucleotide gated channel subunit beta 3; minus strand). Cytogenetic location: 8q21.3.
Variant type: single nucleotide variant.
Coding change: c.2214A>G on transcript NM_019098.5 (MANE Select); coding-DNA position 2214, A replaced by G.
Protein change: p.Glu738=; no amino-acid change (glutamic acid 738 retained).
Molecular consequence: synonymous variant.
Genome position (GRCh38, 1-based): chr8:86,576,020, T>C on the plus strand (A>G on the coding strand, the complement: CNGB3 is on the minus strand). VCF-style: chr8-86576020-T-C. GRCh37 (hg19) VCF-style: chr8-87588248-T-C.
Identifiers: ClinVar variation 166903 (VCV000166903.20), dbSNP rs3735970, ClinGen allele CA179904.